The following is an entry in ClinVar:

ClinVar aggregate classification (germline): Uncertain significance (1 of 4 stars; one submission).

Conditions:
Hereditary cancer-predisposing syndrome. Also called: Hereditary Cancer Syndrome; Neoplastic Syndromes, Hereditary; Tumor predisposition; Hereditary neoplastic syndrome. Identifiers: Orphanet 140162, MedGen C0027672, MeSH D009386, MONDO:0015356.

gnomAD v4.1: 1 of 1,614,168 alleles (0.000062%); highest among the groups gnomAD compares: Non-Finnish European, 0.000085%; no homozygotes.

Submission:

Ambry Genetics
Classification: Uncertain significance for Hereditary cancer-predisposing syndrome. Last evaluated: 2026-08-16. Review status: criteria provided, single submitter. Criteria: Ambry Variant Classification Scheme 2023. Collection method: clinical testing. Allele origin: germline.
Comment: The p.K721E variant (also known as c.2161A>G), located in coding exon 12 of the ALK gene, results from an A to G substitution at nucleotide position 2161. The lysine at codon 721 is replaced by glutamic acid, an amino acid with similar properties. This amino acid position is conserved. In addition, the in silico prediction for this alteration is inconclusive. Based on the available evidence, the clinical significance of this variant remains unclear.

NM_004304.5(ALK):c.2161A>G (p.Lys721Glu)

Gene: ALK (ALK receptor tyrosine kinase; minus strand). Cytogenetic location: 2p23.2.
Variant type: single nucleotide variant.
Coding change: c.2161A>G on transcript NM_004304.5 (MANE Select); coding-DNA position 2161, A replaced by G.
Protein change: p.Lys721Glu; replaces lysine 721 with glutamic acid.
Molecular consequence: missense variant.
Genome position (GRCh38, 1-based): chr2:29,251,148, T>C on the plus strand (A>G on the coding strand, the complement: ALK is on the minus strand). VCF-style: chr2-29251148-T-C. GRCh37 (hg19) VCF-style: chr2-29474014-T-C.
Other names: short protein forms K721E.
Identifiers: ClinVar variation 5035559 (VCV005035559.1).
Genomic context (GRCh38, chr2:29,251,148, plus strand): 5'-CCCTCTTCCATACGCACCTGTAGGTGTCGGTGGCTGGCACCTTCCAGATCTGGATGCCTT[T>C]CAGGGGGCCCTCGCTCCCCACCTCCACGCTCAGGTTGGAGTTCTGGTAGGCGTTGTTGCA-3'
Protein context (NP_004295.2, residues 711-731): SVEVGSEGPL[Lys721Glu]GIQIWKVPAT